The following is an entry in ClinVar:

ClinVar aggregate classification (germline): Pathogenic (1 of 4 stars; one submission).

Submission:

GeneDx
Classification: Pathogenic. Last evaluated: 2025-12-11. Review status: criteria provided, single submitter. Criteria: GeneDx Variant Classification Process June 2021. Collection method: clinical testing. Allele origin: germline.
Comment: Not observed at significant frequency in large population cohorts (gnomAD); In silico analysis supports that this missense variant has a deleterious effect on protein structure/function; Observed in a patient enrolled in the International SCN8A Registry in published literature (PMID: 37585367); This variant is associated with the following publications: (PMID: 37585367)

NM_001330260.2(SCN8A):c.3926G>T (p.Arg1309Leu)

Gene: SCN8A (sodium voltage-gated channel alpha subunit 8; plus strand). Cytogenetic location: 12q13.13.
Variant type: single nucleotide variant.
Coding change: c.3926G>T on transcript NM_001330260.2 (MANE Select); coding-DNA position 3926, G replaced by T.
Protein change: p.Arg1309Leu; replaces arginine 1309 with leucine.
Molecular consequence: missense variant. On other transcripts: intron variant (2).
Genome position (GRCh38, 1-based): chr12:51,780,755, G>T. VCF-style: chr12-51780755-G-T. GRCh37 (hg19) VCF-style: chr12-52174539-G-T.
Other names: c.3926G>T, p.Arg1309Leu (NM_014191.4); c.3820-5787G>T (NM_001177984.3, NM_001369788.1); short protein forms R1309L.
Identifiers: ClinVar variation 3764159 (VCV003764159.2).
Genomic context (GRCh38, chr12:51,780,755, plus strand): 5'-TAGGTGCCATAAAGTCCCTTAGGACCCTAAGAGCTTTGAGACCCTTAAGAGCCTTATCAC[G>T]ATTTGAAGGGATGAGGGTAAGATACTAAGAGCAGCTGATCCTTCTGCATGCCAGTGGAAA-3'
Protein context (NP_001317189.1, residues 1299-1319): RALRPLRALS[Arg1309Leu]FEGMRVVVNA